The following is an entry in ClinVar:

ClinVar aggregate classification (germline): Conflicting classifications of pathogenicity. Review status: criteria provided, conflicting classifications (1 of 4 stars). 12 submissions from 12 submitters: Uncertain significance (1); Benign (5); Likely benign (5). 1 of the submissions does not count toward it. Last evaluated 2026-02-03.

Conditions:
TBC1D24-related disorder. Also called: TBC1D24-related disorders; TBC1D24-related condition. Identifiers: MedGen CN381194.
Inborn genetic diseases. Identifiers: MedGen C0950123, MeSH D030342.
Autosomal dominant nonsyndromic hearing loss 65. Also called: TBC1D24-Related Autosomal Dominant Nonsyndromic Hearing Loss (DFNA); Deafness, autosomal dominant 65. Identifiers: Orphanet 90635, MedGen C3892048, MONDO:0014470, OMIM 616044.
Developmental and epileptic encephalopathy, 1 (DEE1). Also called: X-linked infantile spasms; West's syndrome; Tonic spasms with clustering, arrest of psychomotor development and hypsarrhythmia on EEG; X-Linked Infantile Spasm Syndrome; OHTAHARA SYNDROME, X-LINKED; INFANTILE SPASM SYNDROME, X-LINKED 1. Identifiers: MedGen C3463992, MONDO:0010632, OMIM 308350. Disease mechanism: loss of function.

Allele frequency attached by ClinVar (database versions not stated): 1000 Genomes Project 30x 0.00141; 1000 Genomes Project 0.00160; ESP Exome Variant Server 0.00278; gnomAD 0.00306; TOPMed 0.00311.
gnomAD v4.1: 886 of 1,613,538 alleles (0.055%); highest among the groups gnomAD compares: African/African-American, 1.1%; 8 homozygotes.

Submissions (12):

Labcorp Genetics (formerly Invitae), Labcorp
Classification: Likely benign for Developmental and epileptic encephalopathy, 1; Autosomal dominant nonsyndromic hearing loss 65. Last evaluated: 2026-02-03. Review status: criteria provided, single submitter. Criteria: Invitae Variant Classification Sherloc (09022015). Collection method: clinical testing. Allele origin: germline.

Mayo Clinic Laboratories, Mayo Clinic
Classification: Benign. Last evaluated: 2024-10-23. Review status: criteria provided, single submitter. Criteria: ACMG Guidelines, 2015. Collection method: clinical testing. Allele origin: germline. Observed: 4 variant alleles.
Comment: BA1

Blueprint Genetics
Classification: Likely benign. Last evaluated: 2024-09-13. Review status: criteria provided, single submitter. Criteria: ACMG Guidelines, 2015. Collection method: clinical testing. Allele origin: germline.

Athena Diagnostics
Classification: Benign. Last evaluated: 2024-08-21. Review status: criteria provided, single submitter. Criteria: Athena Diagnostics Criteria. Collection method: clinical testing. Allele origin: unknown.

CeGaT Center for Human Genetics Tuebingen
Classification: Likely benign. Last evaluated: 2024-06-01. Review status: criteria provided, single submitter. Criteria: CeGaT Center For Human Genetics Tuebingen Variant Classification Criteria Version 2. Collection method: clinical testing. Allele origin: germline. Affected: yes. Observed: 2 variant alleles.
Comment: TBC1D24: BS2

Genetic Services Laboratory, University of Chicago
Classification: Likely benign. Last evaluated: 2020-01-14. Review status: criteria provided, single submitter. Criteria: ACMG Guidelines, 2015. Collection method: clinical testing. Allele origin: germline. Affected: no.

GeneDx
Classification: Benign. Last evaluated: 2019-05-21. Review status: criteria provided, single submitter. Criteria: GeneDx Variant Classification Process June 2021. Collection method: clinical testing. Allele origin: germline. Affected: yes.
Comment: This variant is associated with the following publications: (PMID: 24291220)

Ambry Genetics
Classification: Uncertain significance for Inborn genetic diseases. Last evaluated: 2018-12-05. Review status: criteria provided, single submitter. Criteria: Ambry Variant Classification Scheme 2023. Collection method: clinical testing. Allele origin: germline.
Comment: The p.T399M variant (also known as c.1196C>T), located in coding exon 4 of the TBC1D24 gene, results from a C to T substitution at nucleotide position 1196. The threonine at codon 399 is replaced by methionine, an amino acid with similar properties. In one study, this alteration was detected in an individual with features of DOORS syndrome (deafness, onychodystrophy, osteodystrophy, developmental delay/intellectual disability, and seizures) (Campeau PM et al. Lancet Neurol, 2014 Jan;13:44-58). This amino acid position is well conserved in available vertebrate species. In addition, the in silico prediction for this alteration is inconclusive. Since supporting evidence is limited at this time, the clinical significance of this alteration remains unclear.

Eurofins Ntd Llc (ga)
Classification: Benign. Last evaluated: 2017-05-01. Review status: criteria provided, single submitter. Criteria: EGL Classification Definitions 2015. Collection method: clinical testing. Allele origin: germline. Observed: 4 variant alleles, 3 heterozygotes.

Laboratory for Molecular Medicine, Mass General Brigham Personalized Medicine
Classification: Benign. Last evaluated: 2014-11-24. Review status: criteria provided, single submitter. Criteria: LMM Criteria. Collection method: clinical testing. Allele origin: germline. Observed: 1 variant allele.
Comment: Thr399Met in exon 5 of TBC1D24: This variant is not expected to have clinical si gnificance because it has been identified in 0.8% (33/4158) of African American chromosomes from a broad population by the NHLBI Exome Sequencing Project (dbSNP rs61731477).

Breakthrough Genomics
Classification: Likely benign. Review status: criteria provided, single submitter. Criteria: ACMG Guidelines, 2015. Collection method: not provided. Allele origin: germline. Inheritance: Autosomal recessive inheritance. Affected: yes.

PreventionGenetics, part of Exact Sciences
Classification: Benign for TBC1D24-related condition. Last evaluated: 2019-08-30. Review status: no assertion criteria provided. Collection method: clinical testing. Allele origin: germline. Not counted in ClinVar's aggregate classification.
Comment: This variant is classified as benign based on ACMG/AMP sequence variant interpretation guidelines (Richards et al. 2015 PMID: 25741868, with internal and published modifications).

Literature cited by the submitters: PubMed 24291220 (cited by Athena Diagnostics and Ambry Genetics).

NM_001199107.2(TBC1D24):c.1196C>T (p.Thr399Met)

Gene: TBC1D24 (TBC1 domain family member 24; plus strand). Cytogenetic location: 16p13.3.
Variant type: single nucleotide variant.
Coding change: c.1196C>T on transcript NM_001199107.2 (MANE Select); coding-DNA position 1196, C replaced by T.
Protein change: p.Thr399Met; replaces threonine 399 with methionine.
Molecular consequence: missense variant.
Genome position (GRCh38, 1-based): chr16:2,499,410, C>T. VCF-style: chr16-2499410-C-T. GRCh37 (hg19) VCF-style: chr16-2549411-C-T.
Other names: c.1178C>T, p.Thr393Met (NM_020705.3); short protein forms T399M, T393M.
Identifiers: ClinVar variation 284895 (VCV000284895.55), dbSNP rs61731477, ClinGen allele CA7844191.
Genomic context (GRCh38, chr16:2,499,410, plus strand): 5'-ACGCCAGGTTCTACTTCCAGTGTGAAGGACATGAGCCTACCCTCTTGCTCATCAAGACCA[C>T]GCAGAAGGAGGTGAGCAGGGGCCCTGGAGCCAGGGCTGGCTCTGATGGGCTCCAGGGCTG-3'
Protein context (NP_001186036.1, residues 389-409): HEPTLLLIKT[Thr399Met]QKEVCGAYLS